The following is an entry in ClinVar:

NM_003571.4(BFSP2):c.166del (p.Val56fs)

Gene: BFSP2 (beaded filament structural protein 2; plus strand). Cytogenetic location: 3q22.1.
Variant type: Deletion.
Coding change: c.166del on transcript NM_003571.4 (MANE Select); coding-DNA position 166, one base deleted (G; older notation c.166delG).
Protein change: p.Val56fs; shifts the reading frame from valine 56.
Molecular consequence: frameshift variant.
Genome position (GRCh38, 1-based): chr3:133,400,249, G deleted; the last of 4 consecutive G bases (chr3:133,400,246-133,400,249); deleting any one gives the same sequence. VCF-style (leftmost placement, unchanged base first): chr3-133400245-CG-C. GRCh37 (hg19) VCF-style: chr3-133119089-CG-C.
Other names: short protein forms V56fs.
Identifiers: ClinVar variation 646545 (VCV000646545.6), dbSNP rs1576552712, ClinGen allele CA915941596.

ClinVar aggregate classification (germline): Pathogenic (1 of 4 stars; one submission).

Conditions:
Cataract 12 multiple types. Identifiers: Orphanet 91492, MedGen C3808115, MONDO:0012701, OMIM 611597.

Submission:

Labcorp Genetics (formerly Invitae), Labcorp
Classification: Pathogenic for Cataract 12 multiple types. Last evaluated: 2022-09-06. Review status: criteria provided, single submitter. Criteria: Invitae Variant Classification Sherloc (09022015). Collection method: clinical testing. Allele origin: germline.
Comment: This sequence change creates a premature translational stop signal (p.Val56Serfs*3) in the BFSP2 gene. It is expected to result in an absent or disrupted protein product. Loss-of-function variants in BFSP2 are known to be pathogenic (PMID: 12573667, 14638724, 21836522). This variant is not present in population databases (gnomAD no frequency). This variant has not been reported in the literature in individuals affected with BFSP2-related conditions. ClinVar contains an entry for this variant (Variation ID: 646545). For these reasons, this variant has been classified as Pathogenic.

Literature cited by the submitters: PubMed 12573667; PubMed 14638724; PubMed 21836522.